The following is an entry in ClinVar:

NM_002291.3(LAMB1):c.5066_5072delCTTTAGA

Gene: LAMB1 (laminin subunit beta 1; minus strand). Cytogenetic location: 7q31.1.
Variant type: Deletion.
Coding change: c.5066_5072delCTTTAGA on transcript NM_002291.3 (MANE Select); coding-DNA positions 5066 to 5072, 7 bases deleted (CTTTAGA).
Molecular consequence: splice acceptor variant.
Genome position (GRCh38, 1-based): chr7:107,924,382-107,924,388, TCTAAAG deleted on the plus strand (CTTTAGA on the coding strand, the reverse complement: LAMB1 is on the minus strand); deleting any 7 consecutive bases within chr7:107,924,382-107,924,392 gives the same sequence; the c. name uses the placement nearest the transcript's 3' end. VCF-style (leftmost placement, unchanged base first): chr7-107924381-ATCTAAAG-A. GRCh37 (hg19) VCF-style: chr7-107564826-ATCTAAAG-A.
Identifiers: ClinVar variation 3907425 (VCV003907425.2).

ClinVar aggregate classification (germline): Pathogenic (1 of 4 stars; one submission).

Conditions:
Classic lissencephaly. Also called: Type I lissencephaly. Identifiers: Orphanet 102009, MedGen C0431375, MONDO:0015146, HP:0006818.

Submission:

Women's Health and Genetics/Laboratory Corporation of America, LabCorp
Classification: Pathogenic for Classic lissencephaly. Last evaluated: 2026-05-19. Review status: criteria provided, single submitter. Criteria: LabCorp Variant Classification Summary - May 2015. Collection method: clinical testing. Allele origin: germline.
Comment: Variant summary: LAMB1 c.5066_5072delCTTTAGA (p.Thr1689MetfsX11) results in a premature termination codon, predicted to cause a truncation of the encoded protein or absence of the protein due to nonsense mediated decay, which are commonly known mechanisms for disease. Consensus agreement among computation tools predict no significant impact on normal splicing. However, these predictions have yet to be confirmed by functional studies. The variant was absent in 243768 control chromosomes. To our knowledge, no occurrence of c.5066_5072delCTTTAGA in individuals affected with LAMB1-related conditions and no experimental evidence demonstrating its impact on protein function have been reported. ClinVar contains an entry for this variant (Variation ID: 3907425). Currently, this variant has not been reported in the literature and the clinical significance of the variant for the dominant condition, Leukoencephalopathy without lacunae, adult-onset, could not be established. Based on the evidence outlined above, the variant was classified as pathogenic for recessive Leukoencephalopathy with variable cortical brain malformations and/or hydrocephalus.